The following is an entry in ClinVar:

NM_001909.5(CTSD):c.*17G>A

Gene: CTSD (cathepsin D; minus strand). Cytogenetic location: 11p15.5.
Variant type: single nucleotide variant.
Coding change: c.*17G>A on transcript NM_001909.5 (MANE Select); 17 bases downstream of the stop codon, G replaced by A.
Molecular consequence: 3 prime UTR variant.
Genome position (GRCh38, 1-based): chr11:1,753,486, C>T on the plus strand (G>A on the coding strand, the complement: CTSD is on the minus strand). VCF-style: chr11-1753486-C-T. GRCh37 (hg19) VCF-style: chr11-1774716-C-T.
Identifiers: ClinVar variation 388189 (VCV000388189.1), dbSNP rs201616935, ClinGen allele CA5813856.

ClinVar aggregate classification (germline): Likely benign (1 of 4 stars; one submission).

Allele frequency attached by ClinVar (database versions not stated): gnomAD 0.00001 and 0.00006; TOPMed 0.00001 and 0.00002; ExAC 0.00005.
gnomAD v4.1: 24 of 1,612,770 alleles (0.0015%); highest among the groups gnomAD compares: East Asian, 0.022%; no homozygotes.

Submission:

GeneDx
Classification: Likely benign. Last evaluated: 2016-08-02. Review status: criteria provided, single submitter. Criteria: GeneDx Variant Classification (06012015). Collection method: clinical testing. Allele origin: germline. Affected: yes.
Comment: This variant is considered likely benign or benign based on one or more of the following criteria: it is a conservative change, it occurs at a poorly conserved position in the protein, it is predicted to be benign by multiple in silico algorithms, and/or has population frequency not consistent with disease.